The following is an entry in ClinVar:

NM_007294.4(BRCA1):c.796_807delinsA (p.Val266fs)

Gene: BRCA1 (BRCA1 DNA repair associated; minus strand). Cytogenetic location: 17q21.31.
Variant type: Indel.
Coding change: c.796_807delinsA on transcript NM_007294.4 (MANE Select); coding-DNA positions 796 to 807, GTTTCAAACTTG replaced by A.
Protein change: p.Val266fs; shifts the reading frame from valine 266.
Molecular consequence: frameshift variant. On other transcripts: intron variant (137), 5 prime UTR variant (2).
Genome position (GRCh38, 1-based): chr17:43,094,724-43,094,735, CAAGTTTGAAAC replaced by T on the plus strand (GTTTCAAACTTG replaced by A on the coding strand, the reverse complement: BRCA1 is on the minus strand). VCF-style: chr17-43094724-CAAGTTTGAAAC-T. GRCh37 (hg19) VCF-style: chr17-41246741-CAAGTTTGAAAC-T.
Other names: c.583+9_583+20delinsA (NM_001408475.1); c.583_594delinsA, p.Val195fs (NM_001407571.1, NM_001407853.1, NM_001407894.1 and 9 more transcripts); c.709+9_709+20delinsA (NM_001408412.1, NM_001408409.1, NM_001408414.1 and 2 more transcripts); c.796_807delinsA, p.Val266fs (NM_001407581.1, NM_001407582.1, NM_001407583.1 and 30 more transcripts); c.451+9_451+20delinsA (NM_001408509.1, NM_001408508.1); c.574+9_574+20delinsA (NM_001408491.1, NM_001408493.1, NM_001408490.1); c.460+1111_460+1122delinsA (NM_001408506.1, NM_001408507.1); c.577+9_577+20delinsA (NM_001408481.1, NM_001408480.1, NM_001408492.1 and 9 more transcripts); and 40 more; short protein forms V219fs, V266fs, V177fs, V198fs, V199fs, V224fs, V239fs, V154fs.
Identifiers: ClinVar variation 409314 (VCV000409314.6), dbSNP rs1064792958, ClinGen allele CA16615785.
Genomic context (GRCh38, chr17:43,094,724, plus strand): 5'-ACTGCTGTTCTCATGCTGTAATGAGCTGGCATGAGTATTTGTGCCACATGGCTCCACATG[CAAGTTTGAAAC>T]AGAACTACCCTGATACTTTTCTGGATGCCTCTCAGCTGCACGCTTCTCAGTGGTGTTCAA-3'

ClinVar aggregate classification (germline): Pathogenic. Review status: reviewed by expert panel (3 of 4 stars). 2 submissions from 2 submitters: Pathogenic (1). 1 of the submissions does not count toward it. Last evaluated 2017-12-15.

Conditions:
Breast-ovarian cancer, familial, susceptibility to, 1 (BROVCA1). Also called: BRCA1 Hereditary Breast and Ovarian Cancer; OVARIAN CANCER, SUSCEPTIBILITY TO. Identifiers: Orphanet 145, MedGen C2676676, MONDO:0011450, OMIM 604370. Disease mechanism: loss of function.
Hereditary breast ovarian cancer syndrome. Also called: Hereditary breast and ovarian cancer syndrome; Breast and ovarian cancer; Hereditary breast and ovarian cancer syndrome (HBOC); Hereditary breast and/or ovarian cancer syndrome; BRCA1- and BRCA2-Associated Hereditary Breast and Ovarian Cancer; Hereditary breast and ovarian cancer. Identifiers: Orphanet 145, MedGen C0677776, MeSH D061325, MONDO:0003582. Disease mechanism: loss of function.

Submissions (2):

Evidence-based Network for the Interpretation of Germline Mutant Alleles (ENIGMA)
Classification: Pathogenic for Breast-ovarian cancer, familial, susceptibility to, 1. Last evaluated: 2017-12-15. Review status: reviewed by expert panel. Criteria: ENIGMA BRCA1/2 Classification Criteria (2017-06-29). Collection method: curation. Allele origin: germline. Study: ENIGMA.
Comment: Variant allele predicted to encode a truncated non-functional protein.

Labcorp Genetics (formerly Invitae), Labcorp
Classification: Pathogenic for Hereditary breast ovarian cancer syndrome. Last evaluated: 2016-08-19. Review status: criteria provided, single submitter. Criteria: Invitae Variant Classification Sherloc (09022015). Collection method: clinical testing. Allele origin: germline. Not counted in ClinVar's aggregate classification.
Comment: For these reasons, this variant has been classified as Pathogenic. While this particular variant has not been reported in the literature, loss-of-function variants in BRCA1 are known to be pathogenic (PMID: 20104584). This sequence change deletes 12 nucleotides and inserts 1 new nucleotide from exon 10 of the BRCA1 mRNA (c.796_807delinsA), causing a frameshift at codon 266. This creates a premature translational stop signal (p.Val266Aspfs*29) and is expected to result in an absent or disrupted protein product.

Literature cited by the submitters: PubMed 20104584 (cited by Labcorp Genetics (formerly Invitae), Labcorp).